The following is an entry in ClinVar:

ClinVar aggregate classification (germline): Uncertain significance (1 of 4 stars; one submission).

Conditions:
Dystonic disorder. Also called: Dystonia. Identifiers: MedGen C0013421, MONDO:0003441, HP:0001332.

Allele frequency attached by ClinVar (database versions not stated): gnomAD exomes 0.00002 and 0.00001; gnomAD 0.00003; TOPMed 0.00003; ExAC 0.00002.
gnomAD v4.1: 13 of 1,613,892 alleles (0.00081%); highest among the groups gnomAD compares: African/African-American, 0.0067%; no homozygotes.

Submission:

Labcorp Genetics (formerly Invitae), Labcorp
Classification: Uncertain significance for Dystonic disorder. Last evaluated: 2025-12-24. Review status: criteria provided, single submitter. Criteria: Invitae Variant Classification Sherloc (09022015). Collection method: clinical testing. Allele origin: germline.
Comment: This sequence change replaces arginine, which is basic and polar, with tryptophan, which is neutral and slightly polar, at codon 640 of the CIZ1 protein (p.Arg640Trp). This variant is present in population databases (rs776701482, gnomAD 0.007%). This variant has not been reported in the literature in individuals affected with CIZ1-related conditions. ClinVar contains an entry for this variant (Variation ID: 406208). An algorithm developed to predict the effect of missense changes on protein structure and function (PolyPhen-2) suggests that this variant is likely to be disruptive. In summary, the available evidence is currently insufficient to determine the role of this variant in disease. Therefore, it has been classified as a Variant of Uncertain Significance.

NM_001131016.2(CIZ1):c.1918C>T (p.Arg640Trp)

Gene: CIZ1 (CDKN1A interacting zinc finger protein 1; minus strand). Cytogenetic location: 9q34.11.
Variant type: single nucleotide variant.
Coding change: c.1918C>T on transcript NM_001131016.2 (MANE Select); coding-DNA position 1918, C replaced by T.
Protein change: p.Arg640Trp; replaces arginine 640 with tryptophan.
Molecular consequence: missense variant.
Genome position (GRCh38, 1-based): chr9:128,176,376, G>A on the plus strand (C>T on the coding strand, the complement: CIZ1 is on the minus strand). VCF-style: chr9-128176376-G-A. GRCh37 (hg19) VCF-style: chr9-130938655-G-A.
Other names: c.1750C>T, p.Arg584Trp (NM_001131015.2); c.1735C>T, p.Arg579Trp (NM_001131017.2); c.1678C>T, p.Arg560Trp (NM_001131018.2); c.2008C>T, p.Arg670Trp (NM_001257975.2); c.1615C>T, p.Arg539Trp (NM_001257976.2); c.1918C>T, p.Arg640Trp (NM_012127.3); short protein forms R640W, R584W, R539W, R560W, R579W, R670W.
Identifiers: ClinVar variation 406208 (VCV000406208.6), dbSNP rs776701482, ClinGen allele CA5257207.